The following is an entry in ClinVar:

NM_025074.7(FRAS1):c.234del (p.Ile78fs)

Gene: FRAS1 (Fraser extracellular matrix complex subunit 1; plus strand). Cytogenetic location: 4q21.21.
Variant type: Deletion.
Coding change: c.234del on transcript NM_025074.7 (MANE Select); coding-DNA position 234, one base deleted (A; older notation c.234delA).
Protein change: p.Ile78fs; shifts the reading frame from isoleucine 78.
Molecular consequence: frameshift variant.
Genome position (GRCh38, 1-based): chr4:78,245,250, A deleted. VCF-style (leftmost placement, unchanged base first): chr4-78245249-TA-T. GRCh37 (hg19) VCF-style: chr4-79166403-TA-T.
Other names: c.234del, p.Ile78fs (NM_001166133.2); short protein forms I78fs.
Identifiers: ClinVar variation 2868579 (VCV002868579.4), dbSNP rs1725177764, ClinGen allele CA1064465401.

ClinVar aggregate classification (germline): Pathogenic/Likely pathogenic. Review status: criteria provided, multiple submitters, no conflicts (2 of 4 stars). 2 submissions from 2 submitters: Pathogenic (1); Likely pathogenic (1). Last evaluated 2023-09-01.

Conditions:
FRAS1-related disorder. Also called: FRAS1-related condition.

Allele frequency attached by ClinVar (database versions not stated): TOPMed below 0.00001; gnomAD 0.00001; gnomAD exomes 0.00001.

Submissions (2):

Blueprint Genetics
Classification: Likely pathogenic for FRAS1-related disorders. Last evaluated: 2023-09-01. Review status: criteria provided, single submitter. Criteria: ACMG Guidelines, 2015. Collection method: clinical testing. Allele origin: germline. Affected: yes. Observed: 2 variant alleles.

Labcorp Genetics (formerly Invitae), Labcorp
Classification: Pathogenic. Last evaluated: 2023-06-16. Review status: criteria provided, single submitter. Criteria: Invitae Variant Classification Sherloc (09022015). Collection method: clinical testing. Allele origin: germline.
Comment: For these reasons, this variant has been classified as Pathogenic. This variant has not been reported in the literature in individuals affected with FRAS1-related conditions. This variant is not present in population databases (gnomAD no frequency). This sequence change creates a premature translational stop signal (p.Ile78Metfs*12) in the FRAS1 gene. It is expected to result in an absent or disrupted protein product. Loss-of-function variants in FRAS1 are known to be pathogenic (PMID: 12766769, 18671281).

Literature cited by the submitters: PubMed 12766769 (cited by Labcorp Genetics (formerly Invitae), Labcorp); PubMed 18671281 (cited by Labcorp Genetics (formerly Invitae), Labcorp).